The following is an entry in ClinVar:

NM_000435.3(NOTCH3):c.6669G>T (p.Ala2223=)

Gene: NOTCH3 (notch receptor 3; minus strand). Cytogenetic location: 19p13.12.
Variant type: single nucleotide variant.
Coding change: c.6669G>T on transcript NM_000435.3 (MANE Select); coding-DNA position 6669, G replaced by T.
Protein change: p.Ala2223=; no amino-acid change (alanine 2223 retained).
Molecular consequence: synonymous variant.
Genome position (GRCh38, 1-based): chr19:15,160,959, C>A on the plus strand (G>T on the coding strand, the complement: NOTCH3 is on the minus strand). VCF-style: chr19-15160959-C-A. GRCh37 (hg19) VCF-style: chr19-15271770-C-A.
Identifiers: ClinVar variation 728690 (VCV000728690.5), dbSNP rs191173559, ClinGen allele CA9262324.

ClinVar aggregate classification (germline): Likely benign. Review status: criteria provided, multiple submitters, no conflicts (2 of 4 stars). 2 submissions from 2 submitters: Likely benign (2). Last evaluated 2026-05-12.

Conditions:
NOTCH3-related disorder. Also called: NOTCH3-related disorders; NOTCH3-related condition.

Allele frequency attached by ClinVar (database versions not stated): gnomAD 0.00004 and 0.00007; TOPMed 0.00011; 1000 Genomes Project 0.00060; 1000 Genomes Project 30x 0.00125.
gnomAD v4.1: 124 of 1,584,586 alleles (0.0078%); highest among the groups gnomAD compares: East Asian, 0.22%; no homozygotes.

Submissions (2):

PreventionGenetics, part of Exact Sciences
Classification: Likely benign for NOTCH3-related condition. Last evaluated: 2026-05-12. Review status: criteria provided, single submitter. Criteria: ACMG Guidelines, 2015. Collection method: clinical testing. Allele origin: germline.
Comment: This variant is classified as likely benign based on ACMG/AMP sequence variant interpretation guidelines (Richards et al. 2015 PMID: 25741868, with internal and published modifications).

Labcorp Genetics (formerly Invitae), Labcorp
Classification: Likely benign. Last evaluated: 2019-12-31. Review status: criteria provided, single submitter. Criteria: Invitae Variant Classification Sherloc (09022015). Collection method: clinical testing. Allele origin: germline.